The following is an entry in ClinVar:

ClinVar aggregate classification (germline): Uncertain significance (1 of 4 stars; one submission).

Conditions:
Noonan syndrome-like disorder with loose anagen hair 2 (NSLH2). Identifiers: MedGen C4479577, MONDO:0054588, OMIM 617506.

Submission:

Illumina Laboratory Services, Illumina
Classification: Uncertain significance for Noonan syndrome-like disorder with loose anagen hair 2. Last evaluated: 2024-07-30. Review status: criteria provided, single submitter. Criteria: ISL SNV Classification Criteria 03 February 2026. Collection method: clinical testing. Allele origin: unknown.
Comment: The PPP1CB c.434T>A p.(Ile145Asn) missense variant, to our knowledge, has not been reported in the peer-reviewed literature. This variant is not observed in version 2.1.1 or version 4.1.0 of the Genome Aggregation Database. Multiple lines of computational evidence suggest the variant may impact the gene or gene product. Based on the available evidence, the c.434T>A p.(Ile145Asn) variant is classified as a variant of uncertain significance for Noonan syndrome-like disorder with loose anagen hair.

NM_002709.3(PPP1CB):c.434T>A (p.Ile145Asn)

Gene: PPP1CB (protein phosphatase 1 catalytic subunit beta; plus strand). Cytogenetic location: 2p23.2.
Variant type: single nucleotide variant.
Coding change: c.434T>A on transcript NM_002709.3 (MANE Select); coding-DNA position 434, T replaced by A.
Protein change: p.Ile145Asn; replaces isoleucine 145 with asparagine.
Molecular consequence: missense variant.
Genome position (GRCh38, 1-based): chr2:28,781,756, T>A. VCF-style: chr2-28781756-T-A. GRCh37 (hg19) VCF-style: chr2-29004622-T-A.
Other names: c.434T>A, p.Ile145Asn (NM_206876.2); short protein forms I145N.
Identifiers: ClinVar variation 1328162 (VCV001328162.5), dbSNP rs2148051984, ClinGen allele CA346581928.
Genomic context (GRCh38, chr2:28,781,756, plus strand): 5'-AGTTTTAGATTTTTTAATTTATTCTATCTGTTCTTTTTACAGGCAAACGAAGATTTAATA[T>A]TAAATTGTGGAAGACCTTCACTGATTGTTTTAACTGTCTGCCTATAGCAGCCATTGTGGA-3'
Protein context (NP_002700.1, residues 135-155): FYDECKRRFN[Ile145Asn]KLWKTFTDCF